The following is an entry in ClinVar:

ClinVar aggregate classification (germline): Uncertain significance (1 of 4 stars; one submission).

Submission:

Ambry Genetics
Classification: Uncertain significance. Last evaluated: 2025-03-19. Review status: criteria provided, single submitter. Criteria: Ambry Variant Classification Scheme 2023. Collection method: clinical testing. Allele origin: germline.
Comment: The p.R350G variant (also known as c.1048A>G), located in coding exon 2 of the CDK12 gene, results from an A to G substitution at nucleotide position 1048. The arginine at codon 350 is replaced by glycine, an amino acid with dissimilar properties. This amino acid position is conserved. In addition, the in silico prediction for this alteration is inconclusive. Based on the available evidence, the clinical significance of this variant remains unclear.

NM_016507.4(CDK12):c.1048A>G (p.Arg350Gly)

Gene: CDK12 (cyclin dependent kinase 12; plus strand). Cytogenetic location: 17q12.
Variant type: single nucleotide variant.
Coding change: c.1048A>G on transcript NM_016507.4 (MANE Select); coding-DNA position 1048, A replaced by G.
Protein change: p.Arg350Gly; replaces arginine 350 with glycine.
Molecular consequence: missense variant.
Genome position (GRCh38, 1-based): chr17:39,470,880, A>G. VCF-style: chr17-39470880-A-G. GRCh37 (hg19) VCF-style: chr17-37627133-A-G.
Other names: c.1048A>G, p.Arg350Gly (NM_015083.4); short protein forms R350G.
Identifiers: ClinVar variation 3999239 (VCV003999239.1).